The following is an entry in ClinVar:

ClinVar aggregate classification (germline): Uncertain significance (1 of 4 stars; one submission).

Conditions:
Severe combined immunodeficiency due to DNA-PKcs deficiency. Also called: Immunodeficiency 26 with or without neurologic abnormalities; IMMUNODEFICIENCY 26 WITH NEUROLOGIC ABNORMALITIES. Identifiers: Orphanet 317425, MedGen C4014833, MONDO:0014423, OMIM 615966.

Allele frequency attached by ClinVar (database versions not stated): gnomAD 0.00003; TOPMed 0.00005; ESP Exome Variant Server 0.00009.
gnomAD v4.1: 11 of 1,609,236 alleles (0.00068%); highest among the groups gnomAD compares: African/African-American, 0.015%; no homozygotes.

Submission:

Labcorp Genetics (formerly Invitae), Labcorp
Classification: Uncertain significance for Severe combined immunodeficiency due to DNA-PKcs deficiency. Last evaluated: 2023-08-04. Review status: criteria provided, single submitter. Criteria: Invitae Variant Classification Sherloc (09022015). Collection method: clinical testing. Allele origin: germline.
Comment: This variant is present in population databases (rs369496484, gnomAD 0.02%). This sequence change replaces leucine, which is neutral and non-polar, with valine, which is neutral and non-polar, at codon 3625 of the PRKDC protein (p.Leu3625Val). This variant has not been reported in the literature in individuals affected with PRKDC-related conditions. Advanced modeling of protein sequence and biophysical properties (such as structural, functional, and spatial information, amino acid conservation, physicochemical variation, residue mobility, and thermodynamic stability) performed at Invitae indicates that this missense variant is not expected to disrupt PRKDC protein function. In summary, the available evidence is currently insufficient to determine the role of this variant in disease. Therefore, it has been classified as a Variant of Uncertain Significance.

NM_006904.7(PRKDC):c.10873C>G (p.Leu3625Val)

Gene: PRKDC (protein kinase, DNA-activated, catalytic subunit; minus strand). Cytogenetic location: 8q11.21.
Variant type: single nucleotide variant.
Coding change: c.10873C>G on transcript NM_006904.7 (MANE Select); coding-DNA position 10873, C replaced by G.
Protein change: p.Leu3625Val; replaces leucine 3625 with valine.
Molecular consequence: missense variant.
Genome position (GRCh38, 1-based): chr8:47,788,935, G>C on the plus strand (C>G on the coding strand, the complement: PRKDC is on the minus strand). VCF-style: chr8-47788935-G-C. GRCh37 (hg19) VCF-style: chr8-48701496-G-C.
Other names: c.10873C>G, p.Leu3625Val (NM_001081640.2); short protein forms L3625V.
Identifiers: ClinVar variation 2893016 (VCV002893016.2), dbSNP rs369496484, ClinGen allele CA4739228.